The following is an entry in ClinVar:

ClinVar aggregate classification (germline): Uncertain significance (1 of 4 stars; one submission).

Conditions:
Inborn genetic diseases. Identifiers: MedGen C0950123, MeSH D030342.

Submission:

Ambry Genetics
Classification: Uncertain significance for Inborn genetic diseases. Last evaluated: 2026-07-02. Review status: criteria provided, single submitter. Criteria: Ambry Variant Classification Scheme 2023. Collection method: clinical testing. Allele origin: germline.
Comment: The p.T433N variant (also known as c.1298C>A), located in coding exon 8 of the RUNX1 gene, results from a C to A substitution at nucleotide position 1298. The threonine at codon 433 is replaced by asparagine, an amino acid with similar properties. This amino acid position is conserved. In addition, this alteration is predicted to be tolerated by in silico analysis. Based on the available evidence, the clinical significance of this variant remains unclear.

NM_001754.5(RUNX1):c.1298C>A (p.Thr433Asn)

Gene: RUNX1 (RUNX family transcription factor 1; minus strand). Cytogenetic location: 21q22.12.
Variant type: single nucleotide variant.
Coding change: c.1298C>A on transcript NM_001754.5 (MANE Select); coding-DNA position 1298, C replaced by A.
Protein change: p.Thr433Asn; replaces threonine 433 with asparagine.
Molecular consequence: missense variant.
Genome position (GRCh38, 1-based): chr21:34,792,280, G>T on the plus strand (C>A on the coding strand, the complement: RUNX1 is on the minus strand). VCF-style: chr21-34792280-G-T. GRCh37 (hg19) VCF-style: chr21-36164577-G-T.
Other names: c.1217C>A, p.Thr406Asn (NM_001001890.3); short protein forms T433N, T406N.
Identifiers: ClinVar variation 5028560 (VCV005028560.1).